The following is an entry in ClinVar:

NM_001370658.1(BTD):c.59T>C (p.Leu20Pro)

Gene: BTD (biotinidase; plus strand). Cytogenetic location: 3p25.1.
Variant type: single nucleotide variant.
Coding change: c.59T>C on transcript NM_001370658.1 (MANE Select); coding-DNA position 59, T replaced by C.
Protein change: p.Leu20Pro; replaces leucine 20 with proline.
Molecular consequence: missense variant.
Genome position (GRCh38, 1-based): chr3:15,635,498, T>C. VCF-style: chr3-15635498-T-C. GRCh37 (hg19) VCF-style: chr3-15677005-T-C.
Other names: c.119T>C, p.Leu40Pro (NM_000060.4); c.59T>C, p.Leu20Pro (NM_001281723.4, NM_001281724.3, NM_001281725.3 and 37 more transcripts); short protein forms L20P, L40P.
Identifiers: ClinVar variation 2691456 (VCV002691456.5), dbSNP rs2471439603, ClinGen allele CA351602844.

ClinVar aggregate classification (germline): Likely pathogenic. Review status: criteria provided, multiple submitters, no conflicts (2 of 4 stars). 3 submissions from 3 submitters: Likely pathogenic (2). 1 of the submissions does not count toward it. Last evaluated 2023-12-04.

Conditions:
Biotinidase deficiency. Also called: BTD deficiency; Late-onset biotin-responsive multiple carboxylase deficiency; Biotin deficiency. Identifiers: Orphanet 79241, MedGen C0220754, MONDO:0009665, OMIM 253260.

Allele frequency attached by ClinVar (database versions not stated): gnomAD exomes below 0.00001.
gnomAD v4.1: 1 of 1,614,218 alleles (0.000062%); highest among the groups gnomAD compares: Non-Finnish European, 0.000085%; no homozygotes.

Submissions (3):

Women's Health and Genetics/Laboratory Corporation of America, LabCorp
Classification: Likely pathogenic for Biotinidase deficiency. Last evaluated: 2023-12-04. Review status: criteria provided, single submitter. Criteria: LabCorp Variant Classification Summary - May 2015. Collection method: clinical testing. Allele origin: germline.
Comment: Variant summary: BTD c.59T>C (p.Leu20Pro) results in a non-conservative amino acid change in the encoded protein sequence. Five of five in-silico tools predict a damaging effect of the variant on protein function. The variant was absent in 251418 control chromosomes. c.59T>C has been reported along with a second pathogenic variant in BTD in at-least one individual affected with Biotinidase Deficiency through a newborn screening (described as p.Leu40Pro. Borsatto_2014). At least one publication reports experimental evidence evaluating an impact on protein function. The most pronounced variant effect results in reduced normal Biotinidase activity in HEK293 cells (33% of normal activity in cell lysates and 7% activity in medium) (Borsatto_2019). The following publications have been ascertained in the context of this evaluation (PMID: 25174816, 31337602). No submitters have cited clinical-significance assessments for this variant to ClinVar after 2014. Based on the evidence outlined above, the variant was classified as likely pathogenic.

Labcorp Genetics (formerly Invitae), Labcorp
Classification: Likely pathogenic for Biotinidase deficiency. Last evaluated: 2023-08-16. Review status: criteria provided, single submitter. Criteria: Invitae Variant Classification Sherloc (09022015). Collection method: clinical testing. Allele origin: germline.
Comment: This variant is not present in population databases (gnomAD no frequency). This sequence change replaces leucine, which is neutral and non-polar, with proline, which is neutral and non-polar, at codon 40 of the BTD protein (p.Leu40Pro). This missense change has been observed in individual(s) with biotinidase deficiency (PMID: 25174816). In at least one individual the data is consistent with being in trans (on the opposite chromosome) from a pathogenic variant. In summary, the currently available evidence indicates that the variant is pathogenic, but additional data are needed to prove that conclusively. Therefore, this variant has been classified as Likely Pathogenic. Experimental studies have shown that this missense change affects BTD function (PMID: 31337602). Advanced modeling of protein sequence and biophysical properties (such as structural, functional, and spatial information, amino acid conservation, physicochemical variation, residue mobility, and thermodynamic stability) performed at Invitae indicates that this missense variant is expected to disrupt BTD protein function.

Natera, Inc.
Classification: Likely pathogenic for Biotinidase deficiency. Last evaluated: 2020-04-22. Review status: no assertion criteria provided. Collection method: clinical testing. Allele origin: germline. Not counted in ClinVar's aggregate classification.

Literature cited by the submitters: PubMed 31337602 (cited by Women's Health and Genetics/Laboratory Corporation of America, LabCorp and Labcorp Genetics (formerly Invitae), Labcorp); PubMed 25174816 (cited by Women's Health and Genetics/Laboratory Corporation of America, LabCorp and Labcorp Genetics (formerly Invitae), Labcorp).